The following is an entry in ClinVar:

NM_000059.4(BRCA2):c.8455G>C (p.Asp2819His)

Gene: BRCA2 (BRCA2 DNA repair associated; plus strand). Cytogenetic location: 13q13.1.
Variant type: single nucleotide variant.
Coding change: c.8455G>C on transcript NM_000059.4 (MANE Select); coding-DNA position 8455, G replaced by C.
Protein change: p.Asp2819His; replaces aspartic acid 2819 with histidine.
Molecular consequence: missense variant.
Genome position (GRCh38, 1-based): chr13:32,370,525, G>C. VCF-style: chr13-32370525-G-C. GRCh37 (hg19) VCF-style: chr13-32944662-G-C.
Other names: short protein forms D2819H.
Identifiers: ClinVar variation 439011 (VCV000439011.4), dbSNP rs1479448614, ClinGen allele CA387752590.

ClinVar aggregate classification (germline): Uncertain significance. Review status: criteria provided, multiple submitters, no conflicts (2 of 4 stars). 2 submissions from 2 submitters: Uncertain significance (2). Last evaluated 2020-02-11.

Conditions:
Hereditary cancer-predisposing syndrome. Also called: Hereditary neoplastic syndrome; Hereditary Cancer Syndrome; Tumor predisposition; Neoplastic Syndromes, Hereditary. Identifiers: Orphanet 140162, MedGen C0027672, MeSH D009386, MONDO:0015356.

Submissions (2):

Ambry Genetics
Classification: Uncertain significance for Hereditary cancer-predisposing syndrome. Last evaluated: 2020-02-11. Review status: criteria provided, single submitter. Criteria: Ambry Variant Classification Scheme 2023. Collection method: clinical testing. Allele origin: germline.
Comment: The p.D2819H variant (also known as c.8455G>C), located in coding exon 18 of the BRCA2 gene, results from a G to C substitution at nucleotide position 8455. The aspartic acid at codon 2819 is replaced by histidine, an amino acid with similar properties. This amino acid position is highly conserved in available vertebrate species. In addition, this alteration is predicted to be deleterious by in silico analysis. Since supporting evidence is limited at this time, the clinical significance of this alteration remains unclear.

Quest Diagnostics Nichols Institute San Juan Capistrano
Classification: Uncertain significance. Last evaluated: 2016-12-05. Review status: criteria provided, single submitter. Criteria: Quest Diagnostics criteria. Collection method: clinical testing. Allele origin: germline.